The following is an entry in ClinVar:

ClinVar aggregate classification (germline): Likely benign (1 of 4 stars; one submission).

Conditions:
Familial adenomatous polyposis 1 (FAP1). Also called: POLYPOSIS, ADENOMATOUS INTESTINAL; FAMILIAL ADENOMATOUS POLYPOSIS 1, ATTENUATED. Identifiers: MedGen C2713442, MONDO:0021056, OMIM 175100. Disease mechanism: loss of function.

Submission:

Myriad Genetics, Inc.
Classification: Likely benign for Familial adenomatous polyposis 1. Last evaluated: 2024-03-06. Review status: criteria provided, single submitter. Criteria: Myriad Autosomal Dominant, Autosomal Recessive and X-Linked Classification Criteria (2023). Collection method: clinical testing. Allele origin: unknown.
Comment: This variant is considered likely benign. This variant is intronic and is not expected to impact mRNA splicing.

NM_000038.6(APC):c.1627-6T>C

Gene: APC (APC regulator of Wnt signaling pathway; plus strand). Cytogenetic location: 5q22.2.
Variant type: single nucleotide variant.
Coding change: c.1627-6T>C on transcript NM_000038.6 (MANE Select); 6 bases into the intron before coding-DNA position 1627, T replaced by C.
Molecular consequence: intron variant.
Genome position (GRCh38, 1-based): chr5:112,828,850, T>C. VCF-style: chr5-112828850-T-C. GRCh37 (hg19) VCF-style: chr5-112164547-T-C.
Other names: c.778-6T>C (NM_001407470.1, NM_001354906.2); c.475-6T>C (NM_001407472.1, NM_001407471.1); c.1681-6T>C (NM_001407447.1, NM_001407448.1, NM_001407449.1 and 1 more transcripts); c.1627-6T>C (NM_001354895.2, NM_001407450.1, NM_001127510.3); c.1378-6T>C (NM_001407456.1, NM_001407457.1, NM_001407455.1 and 1 more transcripts); c.1324-6T>C (NM_001407460.1, NM_001407458.1, NM_001407459.1 and 1 more transcripts); c.1597-6T>C (NM_001407452.1); c.1240-6T>C (NM_001407469.1, NM_001407467.1); and 11 more.
Identifiers: ClinVar variation 3147995 (VCV003147995.1), dbSNP rs2149816781, ClinGen allele CA2674856477.